The following is an entry in ClinVar:

NM_004706.4(ARHGEF1):c.1168C>T (p.Leu390Phe)

Gene: ARHGEF1 (Rho guanine nucleotide exchange factor 1; plus strand). Cytogenetic location: 19q13.2.
Variant type: single nucleotide variant.
Coding change: c.1168C>T on transcript NM_004706.4 (MANE Select); coding-DNA position 1168, C replaced by T.
Protein change: p.Leu390Phe; replaces leucine 390 with phenylalanine.
Molecular consequence: missense variant. On other transcripts: non-coding transcript variant (2).
Genome position (GRCh38, 1-based): chr19:41,898,488, C>T. VCF-style: chr19-41898488-C-T. GRCh37 (hg19) VCF-style: chr19-42402637-C-T.
Other names: c.1336C>T, p.Leu446Phe (NM_001396000.1); c.1069C>T, p.Leu357Phe (NM_001396002.1, NM_001396004.1, NM_198977.2); c.1168C>T, p.Leu390Phe (NM_001396003.1, NM_001396006.1); c.1213C>T, p.Leu405Phe (NM_199002.2); short protein forms L357F, L446F, L390F, L405F.
Identifiers: ClinVar variation 2808525 (VCV002808525.3), dbSNP rs1555848389, ClinGen allele CA406058201.

ClinVar aggregate classification (germline): Uncertain significance (1 of 4 stars; one submission).

Submission:

Labcorp Genetics (formerly Invitae), Labcorp
Classification: Uncertain significance. Last evaluated: 2023-11-21. Review status: criteria provided, single submitter. Criteria: Invitae Variant Classification Sherloc (09022015). Collection method: clinical testing. Allele origin: germline.
Comment: This sequence change replaces leucine, which is neutral and non-polar, with phenylalanine, which is neutral and non-polar, at codon 405 of the ARHGEF1 protein (p.Leu405Phe). This variant is present in population databases (no rsID available, gnomAD 0.002%). This variant has not been reported in the literature in individuals affected with ARHGEF1-related conditions. An algorithm developed to predict the effect of missense changes on protein structure and function (PolyPhen-2) suggests that this variant is likely to be tolerated. In summary, the available evidence is currently insufficient to determine the role of this variant in disease. Therefore, it has been classified as a Variant of Uncertain Significance.